The following is an entry in ClinVar:

ClinVar aggregate classification (germline): Uncertain significance. Review status: criteria provided, multiple submitters, no conflicts (2 of 4 stars). 2 submissions from 2 submitters: Uncertain significance (2). Last evaluated 2024-10-13.

Conditions:
Hereditary cancer-predisposing syndrome. Also called: Tumor predisposition; Hereditary Cancer Syndrome; Hereditary neoplastic syndrome; Neoplastic Syndromes, Hereditary. Identifiers: Orphanet 140162, MedGen C0027672, MeSH D009386, MONDO:0015356.
Familial melanoma. Also called: Hereditary melanoma; Hereditary cutaneous melanoma. Identifiers: Orphanet 618, MedGen C1512419, MONDO:0018961.

Submissions (2):

Labcorp Genetics (formerly Invitae), Labcorp
Classification: Uncertain significance for Familial melanoma. Last evaluated: 2024-10-13. Review status: criteria provided, single submitter. Criteria: Invitae Variant Classification Sherloc (09022015). Collection method: clinical testing. Allele origin: germline.
Comment: This sequence change falls in intron 1 of the CDKN2A (p16INK4a) gene. It does not directly change the encoded amino acid sequence of the CDKN2A (p16INK4a) protein. It affects a nucleotide within the consensus splice site. This variant is not present in population databases (gnomAD no frequency). This variant has not been reported in the literature in individuals affected with CDKN2A (p16INK4a)-related conditions. ClinVar contains an entry for this variant (Variation ID: 2449059). Variants that disrupt the consensus splice site are a relatively common cause of aberrant splicing (PMID: 17576681, 9536098). Algorithms developed to predict the effect of sequence changes on RNA splicing suggest that this variant may disrupt the consensus splice site. In summary, the available evidence is currently insufficient to determine the role of this variant in disease. Therefore, it has been classified as a Variant of Uncertain Significance.

Ambry Genetics
Classification: Uncertain significance for Hereditary cancer-predisposing syndrome. Last evaluated: 2022-12-13. Review status: criteria provided, single submitter. Criteria: Ambry Variant Classification Scheme 2023. Collection method: clinical testing. Allele origin: germline.
Comment: The c.151-3C>G intronic variant results from a C to G substitution 3 nucleotides upstream from coding exon 2 in the CDKN2A gene. This nucleotide position is well conserved in available vertebrate species. In silico splice site analysis for this alteration is inconclusive. Direct evidence is insufficient at this time (Ambry internal data). Since supporting evidence is limited at this time, the clinical significance of this alteration remains unclear.

Literature cited by the submitters: PubMed 17576681 (cited by Labcorp Genetics (formerly Invitae), Labcorp); PubMed 9536098 (cited by Labcorp Genetics (formerly Invitae), Labcorp).

NM_000077.5(CDKN2A):c.151-3C>G

Gene: CDKN2A (cyclin dependent kinase inhibitor 2A; minus strand). Cytogenetic location: 9p21.3.
Variant type: single nucleotide variant.
Coding change: c.151-3C>G on transcript NM_000077.5 (MANE Select); 3 bases into the intron before coding-DNA position 151, C replaced by G.
Molecular consequence: intron variant.
Genome position (GRCh38, 1-based): chr9:21,971,211, G>C on the plus strand (C>G on the coding strand, the complement: CDKN2A is on the minus strand). VCF-style: chr9-21971211-G-C. GRCh37 (hg19) VCF-style: chr9-21971210-G-C.
Other names: c.-3-3C>G (NM_001363763.2); c.194-3C>G (NM_058195.4); c.151-3C>G (NM_001195132.2); c.*74-3C>G (NM_058197.5).
Identifiers: ClinVar variation 2449059 (VCV002449059.4), dbSNP rs1587332642, ClinGen allele CA2580080336.